The following is an entry in ClinVar:

NM_006785.4(MALT1):c.596_599dup (p.Phe200fs)

Gene: MALT1 (MALT1 paracaspase; plus strand). Cytogenetic location: 18q21.32.
Variant type: Duplication.
Coding change: c.596_599dup on transcript NM_006785.4 (MANE Select); coding-DNA positions 596 to 599, 4 bases duplicated (AATT; older notation c.596_599dupAATT).
Protein change: p.Phe200fs; shifts the reading frame from phenylalanine 200.
Molecular consequence: frameshift variant.
Genome position (GRCh38, 1-based): chr18:58,700,538-58,700,541, AATT duplicated. VCF-style (leftmost placement, unchanged base first): chr18-58700537-G-GAATT. GRCh37 (hg19) VCF-style: chr18-56367769-G-GAATT.
Other names: c.596_599dup, p.Phe200fs (NM_173844.3); short protein forms F200fs.
Identifiers: ClinVar variation 971304 (VCV000971304.5), dbSNP rs1380219597, ClinGen allele CA780927236.
Genomic context (GRCh38, chr18:58,700,537, plus strand): 5'-GCAGTGCATGTAAAAGATGCAGGCTTTTATGTCTGTCGAGTTAATAACAATTTCACCTTT[G>GAATT]AATTCAGCCAGTGGTCACAGCTGGATGTTTGCGACATCCCAGAGAGCTTCCAGAGTAAGT-3'

ClinVar aggregate classification (germline): Pathogenic (1 of 4 stars; one submission).

Conditions:
Combined immunodeficiency due to MALT1 deficiency. Also called: Immunodeficiency 12. Identifiers: Orphanet 397964, MedGen C3809583, MONDO:0014197, OMIM 615468.

Allele frequency attached by ClinVar (database versions not stated): gnomAD 0.00001; TOPMed 0.00001.

Submission:

Labcorp Genetics (formerly Invitae), Labcorp
Classification: Pathogenic for Combined immunodeficiency due to MALT1 deficiency. Last evaluated: 2019-11-14. Review status: criteria provided, single submitter. Criteria: Invitae Variant Classification Sherloc (09022015). Collection method: clinical testing. Allele origin: germline.
Comment: For these reasons, this variant has been classified as Pathogenic. Loss-of-function variants in MALT1 are known to be pathogenic (PMID: 23727036, 25627829). This variant has not been reported in the literature in individuals with MALT1-related conditions. This variant is not present in population databases (ExAC no frequency). This sequence change creates a premature translational stop signal (p.Phe200Leufs*22) in the MALT1 gene. It is expected to result in an absent or disrupted protein product.

Literature cited by the submitters: PubMed 23727036; PubMed 25627829.